The following is an entry in ClinVar:

ClinVar aggregate classification (germline): Uncertain significance (1 of 4 stars; one submission).

Conditions:
Congenital myasthenic syndrome 2A. Also called: Myasthenic syndrome, congenital, 2a, slow-channel. Identifiers: Orphanet 590, MedGen C4225374, MONDO:0014581, OMIM 616313.

Allele frequency attached by ClinVar (database versions not stated): gnomAD exomes below 0.00001.
gnomAD v4.1: 5 of 1,614,242 alleles (0.00031%); highest among the groups gnomAD compares: Non-Finnish European, 0.00042%; no homozygotes.

Submission:

Labcorp Genetics (formerly Invitae), Labcorp
Classification: Uncertain significance for Congenital myasthenic syndrome 2A. Last evaluated: 2019-07-19. Review status: criteria provided, single submitter. Criteria: Invitae Variant Classification Sherloc (09022015). Collection method: clinical testing. Allele origin: germline.
Comment: In summary, the available evidence is currently insufficient to determine the role of this variant in disease. Therefore, it has been classified as a Variant of Uncertain Significance. Algorithms developed to predict the effect of missense changes on protein structure and function are either unavailable or do not agree on the potential impact of this missense change (SIFT: "Deleterious"; PolyPhen-2: "Possibly Damaging"; Align-GVGD: "Class C0"). This variant has not been reported in the literature in individuals with CHRNB1-related conditions. This variant is not present in population databases (ExAC no frequency). This sequence change replaces phenylalanine with valine at codon 265 of the CHRNB1 protein (p.Phe265Val). The phenylalanine residue is highly conserved and there is a small physicochemical difference between phenylalanine and valine.

NM_000747.3(CHRNB1):c.793T>G (p.Phe265Val)

Gene: CHRNB1 (cholinergic receptor nicotinic beta 1 subunit; plus strand). Cytogenetic location: 17p13.1.
Variant type: single nucleotide variant.
Coding change: c.793T>G on transcript NM_000747.3 (MANE Select); coding-DNA position 793, T replaced by G.
Protein change: p.Phe265Val; replaces phenylalanine 265 with valine.
Molecular consequence: missense variant.
Genome position (GRCh38, 1-based): chr17:7,448,761, T>G. VCF-style: chr17-7448761-T-G. GRCh37 (hg19) VCF-style: chr17-7352080-T-G.
Other names: short protein forms F265V.
Identifiers: ClinVar variation 945110 (VCV000945110.9), dbSNP rs1908769177, ClinGen allele CA397795045.
Genomic context (GRCh38, chr17:7,448,761, plus strand): 5'-CCTCTCTTCTACCTGGTCAACGTCATTGCCCCATGCATCCTCATCACTCTTCTGGCCATC[T>G]TCGTCTTCTACCTGCCACCAGATGCAGGTAATGGGGGAAGGGGCTCCTTACTCTTTTGTC-3'
Protein context (NP_000738.2, residues 255-275): PCILITLLAI[Phe265Val]VFYLPPDAGE